The following is an entry in ClinVar:

ClinVar aggregate classification (germline): Pathogenic (1 of 4 stars; one submission).

Conditions:
Marfan syndrome (MFS). Also called: MARFAN SYNDROME, TYPE I; Marfan syndrome type 1; Marfan's syndrome; Marfan syndrome, classic; FBN1-Related Marfan Syndrome. Identifiers: Orphanet 284963, Orphanet 558, MedGen C0024796, MONDO:0007947, OMIM 154700.
Familial thoracic aortic aneurysm and aortic dissection (TAAD). Also called: Thoracic aortic aneurysms and dissections. Identifiers: Orphanet 91387, MedGen C4707243, MONDO:0019625.

Submission:

Labcorp Genetics (formerly Invitae), Labcorp
Classification: Pathogenic for Marfan syndrome; Familial thoracic aortic aneurysm and aortic dissection. Last evaluated: 2024-01-04. Review status: criteria provided, single submitter. Criteria: Invitae Variant Classification Sherloc (09022015). Collection method: clinical testing. Allele origin: germline.
Comment: This sequence change creates a premature translational stop signal (p.Cys257Leufs*8) in the FBN1 gene. It is expected to result in an absent or disrupted protein product. Loss-of-function variants in FBN1 are known to be pathogenic (PMID: 17657824, 19293843). This variant is not present in population databases (gnomAD no frequency). This variant has not been reported in the literature in individuals affected with FBN1-related conditions. For these reasons, this variant has been classified as Pathogenic.

Literature cited by the submitters: PubMed 17657824; PubMed 19293843.

NM_000138.5(FBN1):c.769dup (p.Cys257fs)

Gene: FBN1 (fibrillin 1; minus strand). Cytogenetic location: 15q21.1.
Variant type: Duplication.
Coding change: c.769dup on transcript NM_000138.5 (MANE Select); coding-DNA position 769, one base duplicated (T; older notation c.769dupT).
Protein change: p.Cys257fs; shifts the reading frame from cysteine 257.
Molecular consequence: frameshift variant.
Genome position (GRCh38, 1-based): chr15:48,534,173, A duplicated on the plus strand (T on the coding strand, the reverse complement: FBN1 is on the minus strand). VCF-style (leftmost placement, unchanged base first): chr15-48534172-C-CA. GRCh37 (hg19) VCF-style: chr15-48826369-C-CA.
Other names: c.769dup, p.Cys257fs (NM_001406716.1, NM_001406717.1); short protein forms C257fs.
Identifiers: ClinVar variation 2921935 (VCV002921935.3), dbSNP rs2505655528, ClinGen allele CA2740096601.